The following is an entry in ClinVar:

NM_006172.4(NPPA):c.25G>T (p.Val9Leu)

Genes: NPPA (natriuretic peptide A; minus strand), LOC114827827 (VISTA enhancer hs2123; plus strand). Cytogenetic location: 1p36.22.
Variant type: single nucleotide variant.
Coding change: c.25G>T on transcript NM_006172.4 (MANE Select); coding-DNA position 25, G replaced by T.
Protein change: p.Val9Leu; replaces valine 9 with leucine.
Molecular consequence: missense variant.
Genome position (GRCh38, 1-based): chr1:11,847,660, C>A on the plus strand (G>T on the coding strand, the complement: NPPA is on the minus strand). VCF-style: chr1-11847660-C-A. GRCh37 (hg19) VCF-style: chr1-11907717-C-A.
Other names: short protein forms V9L.
Identifiers: ClinVar variation 3684829 (VCV003684829.2).

ClinVar aggregate classification (germline): Uncertain significance (1 of 4 stars; one submission).

Conditions:
Atrial fibrillation, familial, 6 (ATFB6). Identifiers: MedGen C2677294, MONDO:0012816, OMIM 612201.

Submission:

Labcorp Genetics (formerly Invitae), Labcorp
Classification: Uncertain significance for Atrial fibrillation, familial, 6. Last evaluated: 2024-07-03. Review status: criteria provided, single submitter. Criteria: Invitae Variant Classification Sherloc (09022015). Collection method: clinical testing. Allele origin: germline.
Comment: This sequence change replaces valine, which is neutral and non-polar, with leucine, which is neutral and non-polar, at codon 9 of the NPPA protein (p.Val9Leu). This variant is present in population databases (no rsID available, gnomAD 0.03%). This missense change has been observed in individual(s) with dilated cardiomyopathy (PMID: 31983221). Algorithms developed to predict the effect of missense changes on protein structure and function output the following: SIFT: "Not Available"; PolyPhen-2: "Not Available"; Align-GVGD: "Not Available". The leucine amino acid residue is found in multiple mammalian species, which suggests that this missense change does not adversely affect protein function. In summary, the available evidence is currently insufficient to determine the role of this variant in disease. Therefore, it has been classified as a Variant of Uncertain Significance.

Literature cited by the submitters: PubMed 31983221.